The following is an entry in ClinVar:

ClinVar aggregate classification (germline): Uncertain significance. Review status: criteria provided, multiple submitters, no conflicts (2 of 4 stars). 6 submissions from 5 submitters: Uncertain significance (6). Last evaluated 2024-06-18.

Conditions:
Leber congenital amaurosis 14 (LCA14). Identifiers: MedGen C2750063, MONDO:0013231, OMIM 613341.
Inborn genetic diseases. Identifiers: MedGen C0950123, MeSH D030342.
Retinitis pigmentosa (RP). Identifiers: Orphanet 791, MedGen C0035334, MeSH D012174, MONDO:0019200, OMIM 268000. Inheritance: Autosomal dominant, autosomal recessive and X linked inheritance.

Allele frequency attached by ClinVar (database versions not stated): gnomAD 0.00001 and 0.00003; ExAC 0.00002; gnomAD exomes 0.00002; TOPMed 0.00003.
gnomAD v4.1: 50 of 1,614,010 alleles (0.0031%); highest among the groups gnomAD compares: Non-Finnish European, 0.004%; no homozygotes.

Submissions (6):

Ambry Genetics
Classification: Uncertain significance for Inborn genetic diseases. Last evaluated: 2024-06-18. Review status: criteria provided, single submitter. Criteria: Ambry Variant Classification Scheme 2023. Collection method: clinical testing. Allele origin: germline.

Blueprint Genetics
Classification: Uncertain significance. Last evaluated: 2023-12-12. Review status: criteria provided, single submitter. Criteria: ACMG Guidelines, 2015. Collection method: clinical testing. Allele origin: germline.

Labcorp Genetics (formerly Invitae), Labcorp
Classification: Uncertain significance. Last evaluated: 2022-02-19. Review status: criteria provided, single submitter. Criteria: Invitae Variant Classification Sherloc (09022015). Collection method: clinical testing. Allele origin: germline.
Comment: This sequence change replaces threonine, which is neutral and polar, with alanine, which is neutral and non-polar, at codon 82 of the LRAT protein (p.Thr82Ala). This variant is present in population databases (rs747900628, gnomAD 0.005%). This variant has not been reported in the literature in individuals affected with LRAT-related conditions. ClinVar contains an entry for this variant (Variation ID: 347849). Algorithms developed to predict the effect of missense changes on protein structure and function are either unavailable or do not agree on the potential impact of this missense change (SIFT: "Deleterious"; PolyPhen-2: "Possibly Damaging"; Align-GVGD: "Class C0"). In summary, the available evidence is currently insufficient to determine the role of this variant in disease. Therefore, it has been classified as a Variant of Uncertain Significance.

Illumina Laboratory Services, Illumina
Classification: Uncertain significance for Retinitis pigmentosa. Last evaluated: 2018-01-12. Review status: criteria provided, single submitter. Criteria: ICSL Variant Classification Criteria 13 December 2019. Collection method: clinical testing. Allele origin: germline.

Illumina Laboratory Services, Illumina
Classification: Uncertain significance for Leber congenital amaurosis 14. Last evaluated: 2018-01-12. Review status: criteria provided, single submitter. Criteria: ICSL Variant Classification Criteria 13 December 2019. Collection method: clinical testing. Allele origin: germline.

Breakthrough Genomics
Classification: Uncertain significance. Review status: criteria provided, single submitter. Criteria: ACMG Guidelines, 2015. Collection method: not provided. Allele origin: germline. Inheritance: Autosomal recessive inheritance. Affected: yes.

NM_004744.5(LRAT):c.244A>G (p.Thr82Ala)

Gene: LRAT (lecithin retinol acyltransferase; plus strand). Cytogenetic location: 4q32.1.
Variant type: single nucleotide variant.
Coding change: c.244A>G on transcript NM_004744.5 (MANE Select); coding-DNA position 244, A replaced by G.
Protein change: p.Thr82Ala; replaces threonine 82 with alanine.
Molecular consequence: missense variant.
Genome position (GRCh38, 1-based): chr4:154,744,570, A>G. VCF-style: chr4-154744570-A-G. GRCh37 (hg19) VCF-style: chr4-155665722-A-G.
Other names: c.244A>G, p.Thr82Ala (NM_001301645.2); short protein forms T82A.
Identifiers: ClinVar variation 347849 (VCV000347849.10), dbSNP rs747900628, ClinGen allele CA3115842.
Genomic context (GRCh38, chr4:154,744,570, plus strand): 5'-GGCATCTACCTAGGAGACAACCGTGTTGCCCACATGATGCCCGACATCCTGTTGGCCCTG[A>G]CAGACGACATGGGGCGCACGCAGAAGGTGGTCTCCAACAAGCGTCTCATCCTGGGCGTTA-3'
Protein context (NP_004735.2, residues 72-92): HMMPDILLAL[Thr82Ala]DDMGRTQKVV